The following is an entry in ClinVar:

NM_000535.7(PMS2):c.63G>A (p.Lys21=)

Gene: PMS2 (PMS1 homolog 2, mismatch repair system component; minus strand). Cytogenetic location: 7p22.1.
Variant type: single nucleotide variant.
Coding change: c.63G>A on transcript NM_000535.7 (MANE Select); coding-DNA position 63, G replaced by A.
Protein change: p.Lys21=; no amino-acid change (lysine 21 retained).
Molecular consequence: synonymous variant. On other transcripts: 5 prime UTR variant (8), non-coding transcript variant (1), intron variant (3).
Genome position (GRCh38, 1-based): chr7:6,005,992, C>T on the plus strand (G>A on the coding strand, the complement: PMS2 is on the minus strand). VCF-style: chr7-6005992-C-T. GRCh37 (hg19) VCF-style: chr7-6045623-C-T.
Other names: c.-343G>A (NM_001322003.2, NM_001322005.2, NM_001322009.2 and 1 more transcripts); c.63G>A, p.Lys21= (NM_001322006.2, NM_001322014.2); c.-153G>A (NM_001322007.2); c.-822G>A (NM_001322011.2, NM_001322012.2); c.-422G>A (NM_001322015.2); c.-52-1934G>A (NM_001322008.2); c.-242-1934G>A (NM_001322010.2, NM_001322004.2).
Identifiers: ClinVar variation 627740 (VCV000627740.15), dbSNP rs772643900, ClinGen allele CA453650331.

ClinVar aggregate classification (germline): Conflicting classifications of pathogenicity. Review status: criteria provided, conflicting classifications (1 of 4 stars). 5 submissions from 5 submitters: Uncertain significance (1); Benign (1); Likely benign (3). Last evaluated 2025-01-23.

Conditions:
Hereditary cancer-predisposing syndrome. Also called: Tumor predisposition; Hereditary Cancer Syndrome; Neoplastic Syndromes, Hereditary; Hereditary neoplastic syndrome. Identifiers: Orphanet 140162, MedGen C0027672, MeSH D009386, MONDO:0015356.
Lynch syndrome 4 (LYNCH4). Also called: Hereditary non-polyposis colorectal cancer, type 4; Colorectal cancer, hereditary nonpolyposis, type 4. Identifiers: Orphanet 144, MedGen C1838333, MONDO:0013699, OMIM 614337. Disease mechanism: loss of function.
Hereditary nonpolyposis colorectal neoplasms. Identifiers: MedGen C0009405, MeSH D003123.

Submissions (5):

Myriad Genetics, Inc.
Classification: Benign for Lynch syndrome 4. Last evaluated: 2025-01-23. Review status: criteria provided, single submitter. Criteria: Myriad Autosomal Dominant, Autosomal Recessive and X-Linked Classification Criteria (2023). Collection method: clinical testing. Allele origin: unknown.
Comment: This variant is considered benign. This variant is a silent/synonymous amino acid change and it is not expected to impact splicing.

Labcorp Genetics (formerly Invitae), Labcorp
Classification: Likely benign for Hereditary nonpolyposis colorectal neoplasms. Last evaluated: 2024-04-24. Review status: criteria provided, single submitter. Criteria: Invitae Variant Classification Sherloc (09022015). Collection method: clinical testing. Allele origin: germline.

Ambry Genetics
Classification: Likely benign for Hereditary cancer-predisposing syndrome. Last evaluated: 2021-05-11. Review status: criteria provided, single submitter. Criteria: Ambry Variant Classification Scheme 2023. Collection method: clinical testing. Allele origin: germline.

GeneDx
Classification: Uncertain significance. Last evaluated: 2019-10-10. Review status: criteria provided, single submitter. Criteria: GeneDx Variant Classification Process June 2021. Collection method: clinical testing. Allele origin: germline. Affected: yes.
Comment: Not observed in large population cohorts (Lek 2016); In silico analysis, which includes protein predictors and evolutionary conservation, supports that this variant does not alter protein structure/function; Has not been previously published as pathogenic or benign to our knowledge

Color Diagnostics, LLC DBA Color Health
Classification: Likely benign for Hereditary cancer-predisposing syndrome. Last evaluated: 2018-10-09. Review status: criteria provided, single submitter. Criteria: ACMG Guidelines, 2015. Collection method: clinical testing. Allele origin: germline.